The following is an entry in ClinVar:

NM_006904.7(PRKDC):c.1567A>G (p.Thr523Ala)

Gene: PRKDC (protein kinase, DNA-activated, catalytic subunit; minus strand). Cytogenetic location: 8q11.21.
Variant type: single nucleotide variant.
Coding change: c.1567A>G on transcript NM_006904.7 (MANE Select); coding-DNA position 1567, A replaced by G.
Protein change: p.Thr523Ala; replaces threonine 523 with alanine.
Molecular consequence: missense variant.
Genome position (GRCh38, 1-based): chr8:47,934,021, T>C on the plus strand (A>G on the coding strand, the complement: PRKDC is on the minus strand). VCF-style: chr8-47934021-T-C. GRCh37 (hg19) VCF-style: chr8-48846581-T-C.
Other names: c.1567A>G, p.Thr523Ala (NM_001081640.2); short protein forms T523A.
Identifiers: ClinVar variation 1775394 (VCV001775394.2), dbSNP rs756456321, ClinGen allele CA4741697.

ClinVar aggregate classification (germline): Uncertain significance (1 of 4 stars; one submission).

Allele frequency attached by ClinVar (database versions not stated): gnomAD exomes below 0.00001; TOPMed below 0.00001; ExAC 0.00001.

Submission:

Ambry Genetics
Classification: Uncertain significance. Last evaluated: 2022-01-08. Review status: criteria provided, single submitter. Criteria: Ambry Variant Classification Scheme 2023. Collection method: clinical testing. Allele origin: germline.
Comment: The p.T523A variant (also known as c.1567A>G), located in coding exon 15 of the PRKDC gene, results from an A to G substitution at nucleotide position 1567. The threonine at codon 523 is replaced by alanine, an amino acid with similar properties. This amino acid position is conserved. In addition, this alteration is predicted to be tolerated by in silico analysis. Since supporting evidence is limited at this time, the clinical significance of this alteration remains unclear.